The following is an entry in ClinVar:

ClinVar aggregate classification (germline): Conflicting classifications of pathogenicity. Review status: criteria provided, conflicting classifications (1 of 4 stars). 2 submissions from 2 submitters: Uncertain significance (1); Likely benign (1). Last evaluated 2024-05-27.

Conditions:
Interstitial lung disease 2 (ILD2). Also called: Familial idiopathic pulmonary fibrosis; FIBROCYSTIC PULMONARY DYSPLASIA; FIBROSING ALVEOLITIS, CRYPTOGENIC. Identifiers: Orphanet 2032, Orphanet 79126, MedGen C5561926, MONDO:0800497, OMIM 178500, MONDO:0800029.

Submissions (2):

Clinical Genomics Laboratory, Washington University in St. Louis
Classification: Uncertain significance for Interstitial lung disease 2. Last evaluated: 2024-05-27. Review status: criteria provided, single submitter. Criteria: ACMG Guidelines, 2015. Collection method: clinical testing. Allele origin: germline.
Comment: The SFTPA2 c.171A>G (p.Pro57= ) variant, to our knowledge, has not been reported in the medical literature. Computational predictors indicate that this variant would alter splicing, evidence that correlates to an impact of this variant SFTPA2 function. The highest population minor allele frequency in the population database genome aggregation database (v.2.1.1) is 0.0342% in the European-Non Finnish population. Due to limited information and based on ACMG/AMP guidelines for variant interpretation (Richards S et al., PMID: 25741868), the clinical significance of this variant is uncertain at this time.

Blueprint Genetics
Classification: Likely benign. Last evaluated: 2024-04-18. Review status: criteria provided, single submitter. Criteria: ACMG Guidelines, 2015. Collection method: clinical testing. Allele origin: germline.

NM_001098668.4(SFTPA2):c.171A>G (p.Pro57=)

Gene: SFTPA2 (surfactant protein A2; minus strand). Cytogenetic location: 10q22.3.
Variant type: single nucleotide variant.
Coding change: c.171A>G on transcript NM_001098668.4 (MANE Select); coding-DNA position 171, A replaced by G.
Protein change: p.Pro57=; no amino-acid change (proline 57 retained).
Molecular consequence: synonymous variant.
Genome position (GRCh38, 1-based): chr10:79,559,313, T>C on the plus strand (A>G on the coding strand, the complement: SFTPA2 is on the minus strand). VCF-style: chr10-79559313-T-C. GRCh37 (hg19) VCF-style: chr10-81319069-T-C.
Other names: c.171A>G, p.Pro57= (NM_001320813.2); c.201A>G, p.Pro67= (NM_001320814.1).
Identifiers: ClinVar variation 3600390 (VCV003600390.2).
Genomic context (GRCh38, chr10:79,559,313, plus strand): 5'-GGGCCTCCTGAAAAGGGGTCTGTGTCCCTCAGCTGAGGGTGGGGTCTGCAGCACAGTACC[T>C]GGAGGGCCAGGGTCTCCTTTGACACCATCTCTCCCGTCCCTGCCTGGCAGGCCGTGGGAT-3'
Protein context (NP_001092138.1, residues 47-67): RDGVKGDPGP[Pro57=]GPMGPPGETP